The following is an entry in ClinVar:

NM_000784.4(CYP27A1):c.844+1G>A

Gene: CYP27A1 (cytochrome P450 family 27 subfamily A member 1; plus strand). Cytogenetic location: 2q35.
Variant type: single nucleotide variant.
Coding change: c.844+1G>A on transcript NM_000784.4 (MANE Select); the canonical splice donor site of the intron after coding-DNA position 844, G replaced by A.
Molecular consequence: splice donor variant.
Genome position (GRCh38, 1-based): chr2:218,812,750, G>A. VCF-style: chr2-218812750-G-A. GRCh37 (hg19) VCF-style: chr2-219677473-G-A.
Other names: IVS4DS, G-A, +1; c.844+1G>A.
Identifiers: ClinVar variation 4257 (VCV000004257.22), dbSNP rs397515354, ClinGen allele CA340213.
Genomic context (GRCh38, chr2:218,812,750, plus strand): 5'-GCCCCGTGCTGCCTTTCTGGAAGCGATACCTGGATGGTTGGAATGCCATCTTTTCCTTTG[G>A]TGAGGACTCCCAGATGGGGCCCAGGGAAGAGAGATGGGGGTGACTCCAGGTCTGTGCATC-3'

ClinVar aggregate classification (germline): Pathogenic. Review status: criteria provided, multiple submitters, no conflicts (2 of 4 stars). 8 submissions from 8 submitters: Pathogenic (5). 3 of the submissions do not count toward it. Last evaluated 2025-05-29.

Conditions:
Cholestanol storage disease (CTX). Also called: CTX: Cerebrotendinous xanthomatosis; Cerebrotendinous Xanthomatosis; CEREBRAL CHOLESTERINOSIS. Identifiers: Orphanet 909, MedGen C0238052, MONDO:0008948, OMIM 213700.

Allele frequency attached by ClinVar (database versions not stated): TOPMed 0.00001; gnomAD exomes 0.00002.
gnomAD v4.1: 25 of 1,614,052 alleles (0.0015%); highest among the groups gnomAD compares: Non-Finnish European, 0.0021%; no homozygotes.

Submissions (8):

Natera, Inc.
Classification: Pathogenic for Cerebrotendinous xanthomatosis. Last evaluated: 2025-05-29. Review status: criteria provided, single submitter. Criteria: Natera Variant Classification Schema (03/2026). Collection method: clinical testing. Allele origin: germline.
Comment: The c.844+1G>A variant in CYP27A1 is a canonical splice donor site variant predicted to affect pre-mRNA splicing, which may result in an abnormal transcript and altered protein product. This variant is expected to result in nonsense mediated decay, truncation, or a dysfunctional protein product. This variant is rare in the general population with a frequency below the threshold expected for the associated phenotype(s). This variant has been observed in one or more individuals affected with the associated recessive disease, as either homozygous or compound heterozygous with a second variant (PMID: 10430841, 9254865). Additionally, this variant has been observed to segregate in affected family members (PMID: 9254865). Functional studies show that this variant may disrupt protein function (PMID: 9254865). Given the available evidence, this variant is classified as Pathogenic.

Fulgent Genetics
Classification: Pathogenic for Cholestanol storage disease. Last evaluated: 2024-04-04. Review status: criteria provided, single submitter. Criteria: ACMG Guidelines, 2015. Collection method: clinical testing. Allele origin: germline.

Labcorp Genetics (formerly Invitae), Labcorp
Classification: Pathogenic for Cholestanol storage disease. Last evaluated: 2024-01-25. Review status: criteria provided, single submitter. Criteria: Invitae Variant Classification Sherloc (09022015). Collection method: clinical testing. Allele origin: germline.
Comment: This sequence change affects a donor splice site in intron 4 of the CYP27A1 gene. RNA analysis indicates that disruption of this splice site induces altered splicing and likely results in a shortened protein product. This variant is present in population databases (rs397515354, gnomAD 0.002%). Disruption of this splice site has been observed in individual(s) with cerebrotendinous xanthomatosis (PMID: 8514861, 9254865, 10430841). It has also been observed to segregate with disease in related individuals. This variant is also known as 865+1G>A. ClinVar contains an entry for this variant (Variation ID: 4257). Studies have shown that disruption of this splice site results in skipping of exon 4, but is expected to preserve the integrity of the reading-frame (PMID: 9254865). For these reasons, this variant has been classified as Pathogenic.

GeneDx
Classification: Pathogenic. Last evaluated: 2023-09-18. Review status: criteria provided, single submitter. Criteria: GeneDx Variant Classification Process June 2021. Collection method: clinical testing. Allele origin: germline. Affected: yes.
Comment: Published functional studies demonstrate a damaging effect (skipping of exon 4 and leading to a loss of 198bp in the mRNA and of 66 amino acids in the enzyme molecule) (PMID: 9254865); Not observed at significant frequency in large population cohorts (gnomAD); Also known as c.865+1G>A; This variant is associated with the following publications: (PMID: 25525159, 31589614, 20301583, 10430841, 27678445, 9254865)

Institute of Medical Genetics and Applied Genomics, University Hospital Tübingen
Classification: Pathogenic. Last evaluated: 2020-10-23. Review status: criteria provided, single submitter. Criteria: ACMG Guidelines, 2015. Collection method: clinical testing. Allele origin: germline. Inheritance: Unknown mechanism. Affected: yes.

Counsyl
Classification: Pathogenic for Cholestanol storage disease. Last evaluated: 2018-02-22. Review status: no assertion criteria provided. Collection method: clinical testing. Allele origin: unknown. Not counted in ClinVar's aggregate classification.

GeneReviews
Classification: Pathogenic for Cerebrotendinous Xanthomatosis. Last evaluated: 2013-08-01. Review status: no assertion criteria provided. Collection method: curation. Allele origin: unknown. Not counted in ClinVar's aggregate classification.
ClinVar note: Converted during submission from pathologic to Pathogenic.

OMIM
Classification: Pathogenic for CEREBROTENDINOUS XANTHOMATOSIS. Last evaluated: 1993-06-01. Review status: no assertion criteria provided. Collection method: literature only. Allele origin: germline. Not counted in ClinVar's aggregate classification.

Literature cited by the submitters: PubMed 10430841 (cited by 3 submitters); PubMed 9254865 (cited by Natera, Inc. and Labcorp Genetics (formerly Invitae), Labcorp); PubMed 8514861 (cited by Labcorp Genetics (formerly Invitae), Labcorp and OMIM); PubMed 25525159 (cited by Counsyl); PubMed 27678445 (cited by Counsyl).